The following is an entry in ClinVar:

ClinVar aggregate classification (germline): Uncertain significance. Review status: criteria provided, multiple submitters, no conflicts (2 of 4 stars). 3 submissions from 3 submitters: Uncertain significance (2). 1 of the submissions does not count toward it. Last evaluated 2025-01-14.

Conditions:
Fumarase deficiency (FMRD). Also called: Fumaric aciduria; Fumarate Hydratase Deficiency. Identifiers: Orphanet 24, MedGen C0342770, MONDO:0011730, OMIM 606812.
Hereditary cancer-predisposing syndrome. Also called: Neoplastic Syndromes, Hereditary; Hereditary neoplastic syndrome; Tumor predisposition; Hereditary Cancer Syndrome. Identifiers: Orphanet 140162, MedGen C0027672, MeSH D009386, MONDO:0015356.

Allele frequency attached by ClinVar (database versions not stated): gnomAD 0.00001.
gnomAD v4.1: 2 of 1,613,934 alleles (0.00012%); highest among the groups gnomAD compares: African/African-American, 0.0027%; no homozygotes.

Submissions (3):

Labcorp Genetics (formerly Invitae), Labcorp
Classification: Uncertain significance. Last evaluated: 2025-01-14. Review status: criteria provided, single submitter. Criteria: Invitae Variant Classification Sherloc (09022015). Collection method: clinical testing. Allele origin: germline.
Comment: This sequence change replaces methionine, which is neutral and non-polar, with threonine, which is neutral and polar, at codon 77 of the FH protein (p.Met77Thr). This variant is present in population databases (no rsID available, gnomAD 0.01%). This variant has not been reported in the literature in individuals affected with FH-related conditions. ClinVar contains an entry for this variant (Variation ID: 659935). Invitae Evidence Modeling of protein sequence and biophysical properties (such as structural, functional, and spatial information, amino acid conservation, physicochemical variation, residue mobility, and thermodynamic stability) indicates that this missense variant is not expected to disrupt FH protein function with a negative predictive value of 95%. In summary, the available evidence is currently insufficient to determine the role of this variant in disease. Therefore, it has been classified as a Variant of Uncertain Significance.

Ambry Genetics
Classification: Uncertain significance for Hereditary cancer-predisposing syndrome. Last evaluated: 2024-11-16. Review status: criteria provided, single submitter. Criteria: Ambry Variant Classification Scheme 2023. Collection method: clinical testing. Allele origin: germline.
Comment: The p.M77T variant (also known as c.230T>C), located in coding exon 2 of the FH gene, results from a T to C substitution at nucleotide position 230. The methionine at codon 77 is replaced by threonine, an amino acid with similar properties. This amino acid position is conserved. In addition, this alteration is predicted to be deleterious by in silico analysis. Based on the available evidence, the clinical significance of this variant remains unclear.

Natera, Inc.
Classification: Uncertain significance for Fumarase Deficiency. Last evaluated: 2025-04-17. Review status: no assertion criteria provided. Collection method: clinical testing. Allele origin: germline. Not counted in ClinVar's aggregate classification.

NM_000143.4(FH):c.230T>C (p.Met77Thr)

Gene: FH (fumarate hydratase; minus strand). Cytogenetic location: 1q43.
Variant type: single nucleotide variant.
Coding change: c.230T>C on transcript NM_000143.4 (MANE Select); coding-DNA position 230, T replaced by C.
Protein change: p.Met77Thr; replaces methionine 77 with threonine.
Molecular consequence: missense variant.
Genome position (GRCh38, 1-based): chr1:241,517,219, A>G on the plus strand (T>C on the coding strand, the complement: FH is on the minus strand). VCF-style: chr1-241517219-A-G. GRCh37 (hg19) VCF-style: chr1-241680519-A-G.
Other names: short protein forms M77T.
Identifiers: ClinVar variation 659935 (VCV000659935.9), dbSNP rs1250096728, ClinGen allele CA345441743.
Genomic context (GRCh38, chr1:241,517,219, plus strand): 5'-ACATTTCCACAAATGCCACTTACTGGCATGCGTTCTGTCACACCTCCAATCTTAAAGTTC[A>G]TCGTAGATCTCACGGTCTGGGCGCCATAATACTTATCATTTGGCACCTTTAGTTCACCAA-3'
Protein context (NP_000134.2, residues 67-87): YYGAQTVRST[Met77Thr]NFKIGGVTER